The following is an entry in ClinVar:

ClinVar aggregate classification (germline): Likely pathogenic. Review status: criteria provided, multiple submitters, no conflicts (2 of 4 stars). 3 submissions from 3 submitters: Likely pathogenic (2). 1 of the submissions does not count toward it. Last evaluated 2026-03-06.

Conditions:
Neuronal ceroid lipofuscinosis. Also called: Neuronal Ceroid Lipofuscinoses. Identifiers: Orphanet 216, Orphanet 79263, MedGen C0027877, MONDO:0016295. Disease mechanism: loss of function.
Neuronal ceroid lipofuscinosis 5 (CLN5). Also called: Neuronal ceroid lipofuscinosis Finnish variant; NEURONAL CEROID LIPOFUSCINOSIS, LATE INFANTILE, FINNISH VARIANT; CLN5-Related Neuronal Ceroid-Lipofuscinosis; CEROID LIPOFUSCINOSIS, NEURONAL, 5, VARIABLE AGE AT ONSET. Identifiers: Orphanet 168491, Orphanet 228360, MedGen C1850442, MONDO:0009745, OMIM 256731.

Allele frequency attached by ClinVar (database versions not stated): gnomAD exomes below 0.00001.
gnomAD v4.1: 1 of 1,614,108 alleles (0.000062%); highest among the groups gnomAD compares: Non-Finnish European, 0.000085%; no homozygotes.

Submissions (3):

Women's Health and Genetics/Laboratory Corporation of America, LabCorp
Classification: Likely pathogenic for Neuronal ceroid lipofuscinosis. Last evaluated: 2026-03-06. Review status: criteria provided, single submitter. Criteria: LabCorp Variant Classification Summary - May 2015. Collection method: clinical testing. Allele origin: germline.
Comment: Variant summary: CLN5 c.230G>A (p.Cys77Tyr; aka NM_006493.2:c.377G>A (p.Cys126Tyr)) results in a non-conservative amino acid change in the encoded protein sequence. Algorithms developed to predict the effect of missense changes on protein structure and function all suggest that this variant is likely to be disruptive. The variant was absent in 251366 control chromosomes (gnomAD). c.230G>A has been observed in compound heterozygous state in an individual affected with Neuronal Ceroid-Lipofuscinosis (Batten Disease) (Sleat_2009, Xin_2010), and in homozygous state in an individual with symptoms compatible with Batten Disease (Jose_2024). To our knowledge, no experimental evidence demonstrating an impact on protein function has been reported, although one of these case reports described the absence of the CLN5 protein in a patient derived sample (Sleat_2009), while another study described disease specific ultrastructural pathology (Xin_2010). In addition, sequence comparison with other vertebrate species indicates that the variant is located to a highly conserved region, and the Cys residue at this codon is phylogenetically constrained (e.g. PMID 29358731). The following publications have been ascertained in the context of this evaluation (PMID: 19383612, 20157158, 38402011, 27553520, 28957316, 33792748, 30264640, 20052765, 39525553, 25359263, 21990111, 32983231). ClinVar contains an entry for this variant (Variation ID: 2569). Based on the evidence outlined above, the variant was classified as likely pathogenic.

Labcorp Genetics (formerly Invitae), Labcorp
Classification: Likely pathogenic for Neuronal ceroid lipofuscinosis. Last evaluated: 2023-03-10. Review status: criteria provided, single submitter. Criteria: Invitae Variant Classification Sherloc (09022015). Collection method: clinical testing. Allele origin: germline.
Comment: This sequence change replaces cysteine, which is neutral and slightly polar, with tyrosine, which is neutral and polar, at codon 126 of the CLN5 protein (p.Cys126Tyr). This variant is not present in population databases (gnomAD no frequency). This missense change has been observed in individuals with neuronal ceroid lipofuscinosis (PMID: 19383612, 20157158). ClinVar contains an entry for this variant (Variation ID: 2569). Advanced modeling of protein sequence and biophysical properties (such as structural, functional, and spatial information, amino acid conservation, physicochemical variation, residue mobility, and thermodynamic stability) performed at Invitae indicates that this missense variant is expected to disrupt CLN5 protein function. In summary, the currently available evidence indicates that the variant is pathogenic, but additional data are needed to prove that conclusively. Therefore, this variant has been classified as Likely Pathogenic.

OMIM
Classification: Pathogenic for CEROID LIPOFUSCINOSIS, NEURONAL, 5. Last evaluated: 2010-02-16. Review status: no assertion criteria provided. Collection method: literature only. Allele origin: germline. Not counted in ClinVar's aggregate classification.

Literature cited by the submitters: PubMed 20157158 (cited by 3 submitters); PubMed 21990111 (cited by Women's Health and Genetics/Laboratory Corporation of America, LabCorp); PubMed 28957316 (cited by Women's Health and Genetics/Laboratory Corporation of America, LabCorp); PubMed 30264640 (cited by Women's Health and Genetics/Laboratory Corporation of America, LabCorp); PubMed 32983231 (cited by Women's Health and Genetics/Laboratory Corporation of America, LabCorp); PubMed 27553520 (cited by Women's Health and Genetics/Laboratory Corporation of America, LabCorp); PubMed 20052765 (cited by Women's Health and Genetics/Laboratory Corporation of America, LabCorp); PubMed 25359263 (cited by Women's Health and Genetics/Laboratory Corporation of America, LabCorp); PubMed 19383612 (cited by Women's Health and Genetics/Laboratory Corporation of America, LabCorp and Labcorp Genetics (formerly Invitae), Labcorp); PubMed 39525553 (cited by Women's Health and Genetics/Laboratory Corporation of America, LabCorp); PubMed 33792748 (cited by Women's Health and Genetics/Laboratory Corporation of America, LabCorp); PubMed 38402011 (cited by Women's Health and Genetics/Laboratory Corporation of America, LabCorp).

NM_006493.4(CLN5):c.230G>A (p.Cys77Tyr)

Gene: CLN5 (CLN5 lysosomal BMP synthase; plus strand). Cytogenetic location: 13q22.3.
Variant type: single nucleotide variant.
Coding change: c.230G>A on transcript NM_006493.4 (MANE Select); coding-DNA position 230, G replaced by A.
Protein change: p.Cys77Tyr; replaces cysteine 77 with tyrosine.
Molecular consequence: missense variant.
Genome position (GRCh38, 1-based): chr13:76,995,119, G>A. VCF-style: chr13-76995119-G-A. GRCh37 (hg19) VCF-style: chr13-77569254-G-A.
Other names: C126Y; c.377G>A, p.Cys126Tyr (LRG_692t1); c.230G>A, p.Cys77Tyr (NM_001366624.2); short protein forms C77Y.
Identifiers: ClinVar variation 2569 (VCV000002569.11), dbSNP rs267606738, ClinGen allele CA252336.
Genomic context (GRCh38, chr13:76,995,119, plus strand): 5'-TTAGGCGCTTTGACTTCCGTCCAAAACCTGATCCTTATTGTCAAGCTAAGTATACTTTCT[G>A]TCCAACTGGCTCACCTATCCCAGTTATGGAGGGTGATGATGACATTGAAGTTTTTCGATT-3'
Protein context (NP_006484.2, residues 67-87): DPYCQAKYTF[Cys77Tyr]PTGSPIPVME